The following is an entry in ClinVar:

NM_000384.3(APOB):c.640C>A (p.Arg214Ser)

Gene: APOB (apolipoprotein B; minus strand). Cytogenetic location: 2p24.1.
Variant type: single nucleotide variant.
Coding change: c.640C>A on transcript NM_000384.3 (MANE Select); coding-DNA position 640, C replaced by A.
Protein change: p.Arg214Ser; replaces arginine 214 with serine.
Molecular consequence: missense variant.
Genome position (GRCh38, 1-based): chr2:21,037,153, G>T on the plus strand (C>A on the coding strand, the complement: APOB is on the minus strand). VCF-style: chr2-21037153-G-T. GRCh37 (hg19) VCF-style: chr2-21260025-G-T.
Other names: short protein forms R214S.
Identifiers: ClinVar variation 3885737 (VCV003885737.2).

ClinVar aggregate classification (germline): Uncertain significance (1 of 4 stars; one submission).

Conditions:
Cardiovascular phenotype. Identifiers: MedGen CN230736.

Submission:

Ambry Genetics
Classification: Uncertain significance for Cardiovascular phenotype. Last evaluated: 2026-09-11. Review status: criteria provided, single submitter. Criteria: Ambry Variant Classification Scheme 2023. Collection method: clinical testing. Allele origin: germline.
Comment: The p.R214S variant (also known as c.640C>A), located in coding exon 6 of the APOB gene, results from a C to A substitution at nucleotide position 640. The arginine at codon 214 is replaced by serine, an amino acid with dissimilar properties. This amino acid position is conserved. In addition, this alteration is predicted to be tolerated by in silico analysis. Based on the available evidence, the clinical significance of this variant remains unclear.